The following is an entry in ClinVar:

ClinVar aggregate classification (germline): Uncertain significance (1 of 4 stars; one submission).

gnomAD v4.1: 5 of 1,613,912 alleles (0.00031%); highest among the groups gnomAD compares: Admixed American, 0.0017%; no homozygotes.

Submission:

Labcorp Genetics (formerly Invitae), Labcorp
Classification: Uncertain significance. Last evaluated: 2025-03-18. Review status: criteria provided, single submitter. Criteria: Invitae Variant Classification Sherloc (09022015). Collection method: clinical testing. Allele origin: germline.
Comment: This sequence change replaces aspartic acid, which is acidic and polar, with glycine, which is neutral and non-polar, at codon 599 of the MYO6 protein (p.Asp599Gly). This variant is not present in population databases (gnomAD no frequency). This variant has not been reported in the literature in individuals affected with MYO6-related conditions. Invitae Evidence Modeling of protein sequence and biophysical properties (such as structural, functional, and spatial information, amino acid conservation, physicochemical variation, residue mobility, and thermodynamic stability) indicates that this missense variant is expected to disrupt MYO6 protein function with a positive predictive value of 80%. In summary, the available evidence is currently insufficient to determine the role of this variant in disease. Therefore, it has been classified as a Variant of Uncertain Significance.

NM_004999.4(MYO6):c.1796A>G (p.Asp599Gly)

Gene: MYO6 (myosin VI; plus strand). Cytogenetic location: 6q14.1.
Variant type: single nucleotide variant.
Coding change: c.1796A>G on transcript NM_004999.4 (MANE Select); coding-DNA position 1796, A replaced by G.
Protein change: p.Asp599Gly; replaces aspartic acid 599 with glycine.
Molecular consequence: missense variant. On other transcripts: non-coding transcript variant (1).
Genome position (GRCh38, 1-based): chr6:75,866,957, A>G. VCF-style: chr6-75866957-A-G. GRCh37 (hg19) VCF-style: chr6-76576674-A-G.
Other names: c.1796A>G, p.Asp599Gly (NM_001300899.2, NM_001368136.1, NM_001368137.1 and 2 more transcripts); c.1781A>G, p.Asp594Gly (NM_001368138.1); short protein forms D599G, D594G.
Identifiers: ClinVar variation 4776389 (VCV004776389.1).